The following is an entry in ClinVar:

NM_019109.5(ALG1):c.40_41insAGCTGC (p.Leu13_Leu14insGlnLeu)

Genes: ALG1 (ALG1 chitobiosyldiphosphodolichol beta-mannosyltransferase; plus strand), LOC130058383 (ATAC-STARR-seq lymphoblastoid active region 10348; plus strand). Cytogenetic location: 16p13.3.
Variant type: Insertion.
Coding change: c.40_41insAGCTGC on transcript NM_019109.5 (MANE Select); coding-DNA positions 40 to 41, AGCTGC inserted.
Protein change: p.Leu13_Leu14insGlnLeu.
Molecular consequence: inframe insertion.
Genome position: GRCh38 VCF-style: chr16-5071885-T-TCTGCAG. GRCh37 (hg19) VCF-style: chr16-5121886-T-TCTGCAG.
Identifiers: ClinVar variation 2117349 (VCV002117349.4), dbSNP rs2505844807, ClinGen allele CA2575903287.

ClinVar aggregate classification (germline): Uncertain significance (1 of 4 stars; one submission).

Conditions:
ALG1-congenital disorder of glycosylation. Also called: CONGENITAL DISORDER OF GLYCOSYLATION, TYPE Ik; ALG1-CDG; CDG Ik. Identifiers: Orphanet 79327, MedGen C2931005, MONDO:0012052, OMIM 608540.

Submission:

Labcorp Genetics (formerly Invitae), Labcorp
Classification: Uncertain significance for ALG1-congenital disorder of glycosylation. Last evaluated: 2022-08-22. Review status: criteria provided, single submitter. Criteria: Invitae Variant Classification Sherloc (09022015). Collection method: clinical testing. Allele origin: germline.
Comment: In summary, the available evidence is currently insufficient to determine the role of this variant in disease. Therefore, it has been classified as a Variant of Uncertain Significance. This variant has not been reported in the literature in individuals affected with ALG1-related conditions. This variant is not present in population databases (gnomAD no frequency). This variant, c.40_41insAGCTGC, results in the insertion of 2 amino acid(s) of the ALG1 protein (p.Leu13_Leu14insGlnLeu), but otherwise preserves the integrity of the reading frame.